The following is an entry in ClinVar:

NM_001372.4(DNAH9):c.4597C>T (p.Arg1533Trp)

Gene: DNAH9 (dynein axonemal heavy chain 9; plus strand). Cytogenetic location: 17p12.
Variant type: single nucleotide variant.
Coding change: c.4597C>T on transcript NM_001372.4 (MANE Select); coding-DNA position 4597, C replaced by T.
Protein change: p.Arg1533Trp; replaces arginine 1533 with tryptophan.
Molecular consequence: missense variant.
Genome position (GRCh38, 1-based): chr17:11,690,419, C>T. VCF-style: chr17-11690419-C-T. GRCh37 (hg19) VCF-style: chr17-11593736-C-T.
Other names: short protein forms R1533W.
Identifiers: ClinVar variation 2508245 (VCV002508245.5), dbSNP rs529017839, ClinGen allele CA8395699.

ClinVar aggregate classification (germline): Uncertain significance. Review status: criteria provided, multiple submitters, no conflicts (2 of 4 stars). 3 submissions from 3 submitters: Uncertain significance (3). Last evaluated 2024-10-30.

Conditions:
Inborn genetic diseases. Identifiers: MedGen C0950123, MeSH D030342.

Allele frequency attached by ClinVar (database versions not stated): gnomAD 0.00004; ExAC 0.00006; TOPMed 0.00009; 1000 Genomes Project 30x 0.00016; 1000 Genomes Project 0.00020.
gnomAD v4.1: 36 of 1,613,508 alleles (0.0022%); highest among the groups gnomAD compares: East Asian, 0.038%; no homozygotes.

Submissions (3):

Blueprint Genetics
Classification: Uncertain significance. Last evaluated: 2024-10-30. Review status: criteria provided, single submitter. Criteria: ACMG Guidelines, 2015. Collection method: clinical testing. Allele origin: germline.

Labcorp Genetics (formerly Invitae), Labcorp
Classification: Uncertain significance. Last evaluated: 2024-01-12. Review status: criteria provided, single submitter. Criteria: Invitae Variant Classification Sherloc (09022015). Collection method: clinical testing. Allele origin: germline.
Comment: This sequence change replaces arginine, which is basic and polar, with tryptophan, which is neutral and slightly polar, at codon 1533 of the DNAH9 protein (p.Arg1533Trp). This variant is present in population databases (rs529017839, gnomAD 0.07%). This variant has not been reported in the literature in individuals affected with DNAH9-related conditions. ClinVar contains an entry for this variant (Variation ID: 2508245). Advanced modeling of protein sequence and biophysical properties (such as structural, functional, and spatial information, amino acid conservation, physicochemical variation, residue mobility, and thermodynamic stability) performed at Invitae indicates that this missense variant is expected to disrupt DNAH9 protein function with a positive predictive value of 80%. In summary, the available evidence is currently insufficient to determine the role of this variant in disease. Therefore, it has been classified as a Variant of Uncertain Significance.

Ambry Genetics
Classification: Uncertain significance for Inborn genetic diseases. Last evaluated: 2023-04-12. Review status: criteria provided, single submitter. Criteria: Ambry Variant Classification Scheme 2023. Collection method: clinical testing. Allele origin: germline.